The following is an entry in ClinVar:

NM_004656.4(BAP1):c.656C>G (p.Ala219Gly)

Gene: BAP1 (BRCA1 associated deubiquitinase 1; minus strand). Cytogenetic location: 3p21.1.
Variant type: single nucleotide variant.
Coding change: c.656C>G on transcript NM_004656.4 (MANE Select); coding-DNA position 656, C replaced by G.
Protein change: p.Ala219Gly; replaces alanine 219 with glycine.
Molecular consequence: missense variant.
Genome position (GRCh38, 1-based): chr3:52,406,832, G>C on the plus strand (C>G on the coding strand, the complement: BAP1 is on the minus strand). VCF-style: chr3-52406832-G-C. GRCh37 (hg19) VCF-style: chr3-52440848-G-C.
Other names: c.656C>G, p.Ala219Gly (NM_001410772.1); short protein forms A219G.
Identifiers: ClinVar variation 2100951 (VCV002100951.4), dbSNP rs2153227625, ClinGen allele CA353108714.

ClinVar aggregate classification (germline): Uncertain significance (1 of 4 stars; one submission).

Conditions:
BAP1-related tumor predisposition syndrome (TPDS1). Also called: TUMOR PREDISPOSITION SYNDROME 1; BAP1 tumor predisposition syndrome; Tumor susceptibility linked to germline BAP1 mutations; COMMON Syndrome. Identifiers: Orphanet 289539, MedGen C3280492, MONDO:0013692, OMIM 614327.

Submission:

Labcorp Genetics (formerly Invitae), Labcorp
Classification: Uncertain significance for BAP1-related tumor predisposition syndrome. Last evaluated: 2025-11-10. Review status: criteria provided, single submitter. Criteria: Invitae Variant Classification Sherloc (09022015). Collection method: clinical testing. Allele origin: germline.
Comment: This sequence change replaces alanine, which is neutral and non-polar, with glycine, which is neutral and non-polar, at codon 219 of the BAP1 protein (p.Ala219Gly). This variant is not present in population databases (gnomAD no frequency). This variant has not been reported in the literature in individuals affected with BAP1-related conditions. ClinVar contains an entry for this variant (Variation ID: 2100951). Invitae Evidence Modeling of protein sequence and biophysical properties (such as structural, functional, and spatial information, amino acid conservation, physicochemical variation, residue mobility, and thermodynamic stability) indicates that this missense variant is not expected to disrupt BAP1 protein function with a negative predictive value of 80%. In summary, the available evidence is currently insufficient to determine the role of this variant in disease. Therefore, it has been classified as a Variant of Uncertain Significance.